The following is an entry in ClinVar:

NM_001277115.2(DNAH11):c.9542T>C (p.Leu3181Pro)

Gene: DNAH11 (dynein axonemal heavy chain 11; plus strand). Cytogenetic location: 7p15.3.
Variant type: single nucleotide variant.
Coding change: c.9542T>C on transcript NM_001277115.2 (MANE Select); coding-DNA position 9542, T replaced by C.
Protein change: p.Leu3181Pro; replaces leucine 3181 with proline.
Molecular consequence: missense variant.
Genome position (GRCh38, 1-based): chr7:21,784,485, T>C. VCF-style: chr7-21784485-T-C. GRCh37 (hg19) VCF-style: chr7-21824103-T-C.
Other names: short protein forms L3181P.
Identifiers: ClinVar variation 574471 (VCV000574471.7), dbSNP rs747056886, ClinGen allele CA366939265.

ClinVar aggregate classification (germline): Uncertain significance (1 of 4 stars; one submission).

Conditions:
Primary ciliary dyskinesia. Also called: Ciliary dyskinesia. Identifiers: Orphanet 244, MedGen C0008780, MONDO:0016575, HP:0012265.

Allele frequency attached by ClinVar (database versions not stated): TOPMed below 0.00001.

Submission:

Labcorp Genetics (formerly Invitae), Labcorp
Classification: Uncertain significance for Primary ciliary dyskinesia. Last evaluated: 2021-09-01. Review status: criteria provided, single submitter. Criteria: Invitae Variant Classification Sherloc (09022015). Collection method: clinical testing. Allele origin: germline.
Comment: This sequence change replaces leucine with proline at codon 3181 of the DNAH11 protein (p.Leu3181Pro). The leucine residue is moderately conserved and there is a moderate physicochemical difference between leucine and proline. This variant is not present in population databases (ExAC no frequency). This variant has not been reported in the literature in individuals affected with DNAH11-related conditions. Algorithms developed to predict the effect of missense changes on protein structure and function (SIFT, PolyPhen-2, Align-GVGD) all suggest that this variant is likely to be tolerated. In summary, the available evidence is currently insufficient to determine the role of this variant in disease. Therefore, it has been classified as a Variant of Uncertain Significance.